The following is an entry in ClinVar:

NC_000017.10:g.(?_66364669)_(66366685_?)del

Gene: ARSG (arylsulfatase G; plus strand). Cytogenetic location: 17q24.2.
Variant type: Deletion.
Identifiers: ClinVar variation 1375725 (VCV001375725.6).

ClinVar aggregate classification (germline): Uncertain significance (1 of 4 stars; one submission).

Submission:

Labcorp Genetics (formerly Invitae), Labcorp
Classification: Uncertain significance. Last evaluated: 2021-04-02. Review status: criteria provided, single submitter. Criteria: Invitae Variant Classification Sherloc (09022015). Collection method: clinical testing. Allele origin: germline.
Comment: In summary, the available evidence is currently insufficient to determine the role of this variant in disease. Therefore, it has been classified as a Variant of Uncertain Significance. This variant has not been reported in the literature in individuals with ARSG-related conditions. This variant is a gross deletion of the genomic region encompassing exon(s) 7-8 of the ARSG gene. This deletion is out-of-frame, and is expected to create a premature translational stop signal and result in an absent or disrupted protein product. However, the current clinical and genetic evidence is not sufficient to establish whether loss-of-function variants in ARSG cause disease.